The following is an entry in ClinVar:

NM_000088.4(COL1A1):c.3046-20CT[6]

Gene: COL1A1 (collagen type I alpha 1 chain; minus strand). Cytogenetic location: 17q21.33.
Variant type: Microsatellite.
Coding change: c.3046-20CT[6] on transcript NM_000088.4 (MANE Select); six copies in a row of the 2-base unit CT starting at c.3046-20; the reference has eight copies in a row; two copies, 4 bases deleted.
Molecular consequence: intron variant.
Genome position (GRCh38, 1-based): chr17:50,188,800-50,188,803, AGAG deleted on the plus strand (CTCT on the coding strand, the reverse complement: COL1A1 is on the minus strand); deleting any 4 consecutive bases within chr17:50,188,800-50,188,816 gives the same sequence; the position shown is the placement nearest the transcript's 3' end. VCF-style (leftmost placement, unchanged base first): chr17-50188799-CAGAG-C. GRCh37 (hg19) VCF-style: chr17-48266160-CAGAG-C.
Identifiers: ClinVar variation 4980556 (VCV004980556.1).
Genomic context (GRCh38, chr17:50,188,799, plus strand): 5'-TACCTTGGCGCCAGGAGAACCGTCTCGTCCAGGGGAACCTTCGGCACCAGGAGCCCCCTG[CAGAG>C]AGAGAGAGAGAGAAGTGAGAGTCAGCCGGGGAAGAGGGCTTAGGCAAGGCCACAATGGCC-3'

ClinVar aggregate classification (germline): Likely benign (1 of 4 stars; one submission).

Conditions:
COL1A1-related disorder. Also called: COL1A1- related disease; COL1A1-related condition.

Submission:

PreventionGenetics, part of Exact Sciences
Classification: Likely benign for COL1A1-related condition. Last evaluated: 2026-09-14. Review status: criteria provided, single submitter. Criteria: ACMG Guidelines, 2015. Collection method: clinical testing. Allele origin: germline.
Comment: This variant is classified as likely benign based on ACMG/AMP sequence variant interpretation guidelines (Richards et al. 2015 PMID: 25741868, with internal and published modifications).